The following is an entry in ClinVar:

ClinVar aggregate classification (germline): Uncertain significance. Review status: criteria provided, single submitter (1 of 4 stars). 2 submissions from 2 submitters: Uncertain significance (1). 1 of the submissions does not count toward it. Last evaluated 2018-04-16.

Conditions:
Developmental and epileptic encephalopathy, 56. Also called: EPILEPTIC ENCEPHALOPATHY, EARLY INFANTILE, 56. Identifiers: MedGen C4540034, MONDO:0033365, OMIM 617665.

Submissions (2):

SIB Swiss Institute of Bioinformatics
Classification: Uncertain significance for Developmental and epileptic encephalopathy, 56. Last evaluated: 2018-04-16. Review status: criteria provided, single submitter. Criteria: ACMG Guidelines, 2015. Collection method: curation. Allele origin: germline.
Comment: This variant is interpreted as a Uncertain Significance, for Epileptic encephalopathy, early infantile, 56, Autosomal Dominant inheritance. The following ACMG Tag(s) were applied: PM2 => Absent from controls (or at extremely low frequency if recessive) in Exome Sequencing Project, 1000 Genomes Project, or Exome Aggregation Consortium. PM6 => Assumed de novo, but without confirmation of paternity and maternity (PMID:28777935). PP3 => Multiple lines of computational evidence support a deleterious effect on the gene or gene product.

OMIM
Classification: Pathogenic for DEVELOPMENTAL AND EPILEPTIC ENCEPHALOPATHY 56. Last evaluated: 2020-12-03. Review status: no assertion criteria provided. Collection method: literature only. Allele origin: germline. Not counted in ClinVar's aggregate classification.

Literature cited by the submitters: PubMed 28777935 (cited by SIB Swiss Institute of Bioinformatics and OMIM).

NM_012479.4(YWHAG):c.44A>C (p.Glu15Ala)

Gene: YWHAG (tyrosine 3-monooxygenase/tryptophan 5-monooxygenase activation protein gamma; minus strand). Cytogenetic location: 7q11.23.
Variant type: single nucleotide variant.
Coding change: c.44A>C on transcript NM_012479.4 (MANE Select); coding-DNA position 44, A replaced by C.
Protein change: p.Glu15Ala; replaces glutamic acid 15 with alanine.
Molecular consequence: missense variant.
Genome position (GRCh38, 1-based): chr7:76,358,765, T>G on the plus strand (A>C on the coding strand, the complement: YWHAG is on the minus strand). VCF-style: chr7-76358765-T-G. GRCh37 (hg19) VCF-style: chr7-75988082-T-G.
Other names: NM_012479.3:c.44A>C(p.Glu15Ala); short protein forms E15A.
Identifiers: ClinVar variation 438805 (VCV000438805.4), dbSNP rs1554618767, ClinGen allele CA367758305.